The following is an entry in ClinVar:

NC_000016.9:g.(?_15802662)_(15932115_?)dup

Genes: MYH11 (myosin heavy chain 11; minus strand), NDE1 (nudE neurodevelopment protein 1; plus strand), LOC113939949 (Sharpr-MPRA regulatory region 5546; plus strand). Cytogenetic location: 16p13.11.
Variant type: Duplication.
Identifiers: ClinVar variation 267329 (VCV000267329.1).

ClinVar aggregate classification (germline): Uncertain significance (1 of 4 stars; one submission).

Conditions:
Aortic aneurysm, familial thoracic 4 (AAT4). Also called: AORTIC ANEURYSM/AORTIC DISSECTION AND PATENT DUCTUS ARTERIOSUS. Identifiers: MedGen C1851504, MONDO:0007568, OMIM 132900.

Submission:

Labcorp Genetics (formerly Invitae), Labcorp
Classification: Uncertain significance for Aortic aneurysm, familial thoracic 4. Last evaluated: 2016-02-01. Review status: criteria provided, single submitter. Criteria: Invitae Variant Classification Sherloc (09022015). Collection method: clinical testing. Allele origin: germline.
Comment: A gross duplication of the genomic region encompassing the full coding sequence of the MYH11 gene has been identified. The boundaries of this event are unknown as the duplication extends beyond the assayed region for this gene and therefore may encompass additional genes. As the precise location of this duplication is unknown, it may be in tandem or it may be located elsewhere in the genome. Chromosomal duplications of the 16p13.1 region that encompasses the MYH11 gene and 7 additional genes have been reported in individuals affected with conotruncal heart defects, pulmonary atresia and aortic aneurysms and dissections but does not segregate with the disease in two families studied (PMID: 21698135, 22318994, 23979609, 24826987). Similar 16p13.1 duplications have also been found in control unaffected individuals and in individuals affected with neuropsychiatric disorders (PMID: 19786961, 20888040). The association of these duplications with heart defects and neurological conditions is uncertain. For these reasons, this change has been classified as a Variant of Uncertain Significance.